The following is an entry in ClinVar:

NM_006303.4(AIMP2):c.803G>C (p.Trp268Ser)

Genes: AIMP2 (aminoacyl tRNA synthetase complex interacting multifunctional protein 2; plus strand), EIF2AK1 (eukaryotic translation initiation factor 2 alpha kinase 1; minus strand). Cytogenetic location: 7p22.1.
Variant type: single nucleotide variant.
Coding change: c.803G>C on transcript NM_006303.4 (MANE Select); coding-DNA position 803, G replaced by C.
Protein change: p.Trp268Ser; replaces tryptophan 268 with serine.
Molecular consequence: missense variant. On other transcripts: 3 prime UTR variant (2).
Genome position (GRCh38, 1-based): chr7:6,023,531, G>C. VCF-style: chr7-6023531-G-C. GRCh37 (hg19) VCF-style: chr7-6063162-G-C.
Other names: c.*1142C>G (NM_001134335.2, NM_014413.4); c.683G>C, p.Trp228Ser (NM_001326606.2); c.596G>C, p.Trp199Ser (NM_001326607.2); c.569G>C, p.Trp190Ser (NM_001326609.2, NM_001326610.2, NM_001326611.3); c.716G>C, p.Trp239Ser (NM_001362785.2); c.671G>C, p.Trp224Ser (NM_001362787.2); short protein forms W224S, W199S, W228S, W190S, W268S, W239S.
Identifiers: ClinVar variation 1918437 (VCV001918437.4), dbSNP rs997976538, ClinGen allele CA153268682.

ClinVar aggregate classification (germline): Uncertain significance (1 of 4 stars; one submission).

gnomAD v4.1: 2 of 1,614,232 alleles (0.00012%); highest among the groups gnomAD compares: Admixed American, 0.0017%; no homozygotes.

Submission:

Labcorp Genetics (formerly Invitae), Labcorp
Classification: Uncertain significance. Last evaluated: 2024-10-22. Review status: criteria provided, single submitter. Criteria: Invitae Variant Classification Sherloc (09022015). Collection method: clinical testing. Allele origin: germline.
Comment: This sequence change replaces tryptophan, which is neutral and slightly polar, with serine, which is neutral and polar, at codon 268 of the AIMP2 protein (p.Trp268Ser). This variant is not present in population databases (gnomAD no frequency). This variant has not been reported in the literature in individuals affected with AIMP2-related conditions. ClinVar contains an entry for this variant (Variation ID: 1918437). An algorithm developed to predict the effect of missense changes on protein structure and function (PolyPhen-2) suggests that this variant is likely to be disruptive. In summary, the available evidence is currently insufficient to determine the role of this variant in disease. Therefore, it has been classified as a Variant of Uncertain Significance.